The following is an entry in ClinVar:

NM_005732.4(RAD50):c.1417A>G (p.Arg473Gly)

Gene: RAD50 (RAD50 double strand break repair protein; plus strand). Cytogenetic location: 5q31.1.
Variant type: single nucleotide variant.
Coding change: c.1417A>G on transcript NM_005732.4 (MANE Select); coding-DNA position 1417, A replaced by G.
Protein change: p.Arg473Gly; replaces arginine 473 with glycine.
Molecular consequence: missense variant.
Genome position (GRCh38, 1-based): chr5:132,589,802, A>G. VCF-style: chr5-132589802-A-G. GRCh37 (hg19) VCF-style: chr5-131925494-A-G.
Other names: short protein forms R473G.
Identifiers: ClinVar variation 484717 (VCV000484717.12), dbSNP rs1217523555, ClinGen allele CA360944797.

ClinVar aggregate classification (germline): Uncertain significance. Review status: criteria provided, multiple submitters, no conflicts (2 of 4 stars). 2 submissions from 2 submitters: Uncertain significance (2). Last evaluated 2024-12-31.

Conditions:
Hereditary cancer-predisposing syndrome. Also called: Neoplastic Syndromes, Hereditary; Tumor predisposition; Hereditary Cancer Syndrome; Hereditary neoplastic syndrome. Identifiers: Orphanet 140162, MedGen C0027672, MeSH D009386, MONDO:0015356.

gnomAD v4.1: 2 of 1,613,666 alleles (0.00012%); highest among the groups gnomAD compares: Admixed American, 0.0017%; no homozygotes.

Submissions (2):

Ambry Genetics
Classification: Uncertain significance for Hereditary cancer-predisposing syndrome. Last evaluated: 2024-12-31. Review status: criteria provided, single submitter. Criteria: Ambry Variant Classification Scheme 2023. Collection method: clinical testing. Allele origin: germline.
Comment: The p.R473G variant (also known as c.1417A>G), located in coding exon 9 of the RAD50 gene, results from an A to G substitution at nucleotide position 1417. The arginine at codon 473 is replaced by glycine, an amino acid with dissimilar properties. This amino acid position is highly conserved in available vertebrate species. In addition, the in silico prediction for this alteration is inconclusive. Since supporting evidence is limited at this time, the clinical significance of this alteration remains unclear.

Labcorp Genetics (formerly Invitae), Labcorp
Classification: Uncertain significance for Hereditary cancer-predisposing syndrome. Last evaluated: 2021-10-28. Review status: criteria provided, single submitter. Criteria: Invitae Variant Classification Sherloc (09022015). Collection method: clinical testing. Allele origin: germline.
Comment: In summary, the available evidence is currently insufficient to determine the role of this variant in disease. Therefore, it has been classified as a Variant of Uncertain Significance. Algorithms developed to predict the effect of missense changes on protein structure and function are either unavailable or do not agree on the potential impact of this missense change (SIFT: "Tolerated"; PolyPhen-2: "Possibly Damaging"; Align-GVGD: "Class C0"). ClinVar contains an entry for this variant (Variation ID: 484717). This variant has not been reported in the literature in individuals affected with RAD50-related conditions. This variant is not present in population databases (gnomAD no frequency). This sequence change replaces arginine, which is basic and polar, with glycine, which is neutral and non-polar, at codon 473 of the RAD50 protein (p.Arg473Gly).